The following is an entry in ClinVar:

NM_002227.4(JAK1):c.2182G>A (p.Asp728Asn)

Gene: JAK1 (Janus kinase 1; minus strand). Cytogenetic location: 1p31.3.
Variant type: single nucleotide variant.
Coding change: c.2182G>A on transcript NM_002227.4 (MANE Select); coding-DNA position 2182, G replaced by A.
Protein change: p.Asp728Asn; replaces aspartic acid 728 with asparagine.
Molecular consequence: missense variant.
Genome position (GRCh38, 1-based): chr1:64,844,823, C>T on the plus strand (G>A on the coding strand, the complement: JAK1 is on the minus strand). VCF-style: chr1-64844823-C-T. GRCh37 (hg19) VCF-style: chr1-65310506-C-T.
Other names: c.2182G>A, p.Asp728Asn (NM_001320923.2, NM_001321852.2, NM_001321853.2 and 3 more transcripts); c.2179G>A, p.Asp727Asn (NM_001321857.2); short protein forms D727N, D728N.
Identifiers: ClinVar variation 2638872 (VCV002638872.24), dbSNP rs1570621092, ClinGen allele CA340667018.

ClinVar aggregate classification (germline): Uncertain significance (1 of 4 stars; one submission).

Allele frequency attached by ClinVar (database versions not stated): TOPMed below 0.00001.
gnomAD v4.1: 3 of 1,614,168 alleles (0.00019%); highest among the groups gnomAD compares: African/African-American, 0.0013%; no homozygotes.

Submission:

CeGaT Center for Human Genetics Tuebingen
Classification: Uncertain significance. Last evaluated: 2022-12-01. Review status: criteria provided, single submitter. Criteria: CeGaT Center For Human Genetics Tuebingen Variant Classification Criteria Version 2. Collection method: clinical testing. Allele origin: germline. Affected: yes. Observed: 1 variant allele.
Comment: JAK1: PM2, PP2, BP4